The following is an entry in ClinVar:

NM_021098.3(CACNA1H):c.5887+5G>T

Gene: CACNA1H (calcium voltage-gated channel subunit alpha1 H; plus strand). Cytogenetic location: 16p13.3.
Variant type: single nucleotide variant.
Coding change: c.5887+5G>T on transcript NM_021098.3 (MANE Select); 5 bases into the intron after coding-DNA position 5887, G replaced by T.
Molecular consequence: intron variant.
Genome position (GRCh38, 1-based): chr16:1,218,656, G>T. VCF-style: chr16-1218656-G-T. GRCh37 (hg19) VCF-style: chr16-1268656-G-T.
Other names: c.5869+5G>T (NM_001005407.2).
Identifiers: ClinVar variation 2954105 (VCV002954105.3), dbSNP rs1013876909, ClinGen allele CA276612746.

ClinVar aggregate classification (germline): Uncertain significance (1 of 4 stars; one submission).

Conditions:
Idiopathic generalized epilepsy. Also called: EIG; Generalised epilepsy. Identifiers: MedGen C0270850, MONDO:0005579, OMIM 600669.
Hyperaldosteronism, familial, type IV (HALD4). Also called: FH IV; ALDOSTERONISM, PRIMARY, AND HYPERTENSION. Identifiers: Orphanet 642671, MedGen C4310756, MONDO:0014875, OMIM 617027.

Submission:

Labcorp Genetics (formerly Invitae), Labcorp
Classification: Uncertain significance for Idiopathic generalized epilepsy; Hyperaldosteronism, familial, type IV. Last evaluated: 2023-11-21. Review status: criteria provided, single submitter. Criteria: Invitae Variant Classification Sherloc (09022015). Collection method: clinical testing. Allele origin: germline.
Comment: This sequence change falls in intron 33 of the CACNA1H gene. It does not directly change the encoded amino acid sequence of the CACNA1H protein. It affects a nucleotide within the consensus splice site. This variant is not present in population databases (gnomAD no frequency). This variant has not been reported in the literature in individuals affected with CACNA1H-related conditions. Variants that disrupt the consensus splice site are a relatively common cause of aberrant splicing (PMID: 17576681, 9536098). Algorithms developed to predict the effect of sequence changes on RNA splicing suggest that this variant is not likely to affect RNA splicing. In summary, the available evidence is currently insufficient to determine the role of this variant in disease. Therefore, it has been classified as a Variant of Uncertain Significance.

Literature cited by the submitters: PubMed 17576681; PubMed 9536098.